The following is an entry in ClinVar:

ClinVar aggregate classification (germline): Benign/Likely benign. Review status: criteria provided, multiple submitters, no conflicts (2 of 4 stars). 4 submissions from 4 submitters: Benign (3); Likely benign (1). Last evaluated 2026-02-01.

Conditions:
Inclusion body myopathy and brain white matter abnormalities (IBMWMA). Also called: MULTISYSTEM PROTEINOPATHY 6. Identifiers: MedGen C5676909, MONDO:0850514, OMIM 619733.

Allele frequency attached by ClinVar (database versions not stated): TOPMed 0.01133; ESP Exome Variant Server 0.01341; gnomAD exomes 0.01565 and 0.01293; ExAC 0.01594; 1000 Genomes Project 0.00879; 1000 Genomes Project 30x 0.00734.
gnomAD v4.1: 23,511 of 1,537,114 alleles (1.5%); highest among the groups gnomAD compares: Non-Finnish European, 1.7%; 198 homozygotes.

Submissions (4):

Labcorp Genetics (formerly Invitae), Labcorp
Classification: Benign. Last evaluated: 2026-02-01. Review status: criteria provided, single submitter. Criteria: Invitae Variant Classification Sherloc (09022015). Collection method: clinical testing. Allele origin: germline.

Mayo Clinic Laboratories, Mayo Clinic
Classification: Benign. Last evaluated: 2023-02-06. Review status: criteria provided, single submitter. Criteria: ACMG Guidelines, 2015. Collection method: clinical testing. Allele origin: germline. Observed: 16 variant alleles.
Comment: BS1, BS2, BP4, BP7_stand-alone

Genome-Nilou Lab
Classification: Likely benign for Inclusion body myopathy and brain white matter abnormalities. Last evaluated: 2021-12-05. Review status: criteria provided, single submitter. Criteria: ACMG Guidelines, 2015. Collection method: clinical testing. Allele origin: germline. Affected: no.

Breakthrough Genomics
Classification: Benign. Review status: criteria provided, single submitter. Criteria: ACMG Guidelines, 2015. Collection method: not provided. Allele origin: germline. Inheritance: Autosomal dominant inheritance. Affected: yes.

NM_145868.2(ANXA11):c.456C>T (p.Tyr152=)

Gene: ANXA11 (annexin A11; minus strand). Cytogenetic location: 10q22.3.
Variant type: single nucleotide variant.
Coding change: c.456C>T on transcript NM_145868.2 (MANE Select); coding-DNA position 456, C replaced by T.
Protein change: p.Tyr152=; no amino-acid change (tyrosine 152 retained).
Molecular consequence: synonymous variant.
Genome position (GRCh38, 1-based): chr10:80,169,074, G>A on the plus strand (C>T on the coding strand, the complement: ANXA11 is on the minus strand). VCF-style: chr10-80169074-G-A. GRCh37 (hg19) VCF-style: chr10-81928830-G-A.
Other names: p.Tyr152=; c.456C>T, p.Tyr152= (NM_001157.3, NM_001278407.2, NM_001278408.2 and 1 more transcripts); c.357C>T, p.Tyr119= (NM_001278409.2).
Identifiers: ClinVar variation 1574217 (VCV001574217.11), dbSNP rs34003188, ClinGen allele CA5576278.